The following is an entry in ClinVar:

NM_017882.3(CLN6):c.684C>A (p.Gly228=)

Gene: CLN6 (CLN6 transmembrane ER protein; minus strand). Cytogenetic location: 15q23.
Variant type: single nucleotide variant.
Coding change: c.684C>A on transcript NM_017882.3 (MANE Select); coding-DNA position 684, C replaced by A.
Protein change: p.Gly228=; no amino-acid change (glycine 228 retained).
Molecular consequence: synonymous variant.
Genome position (GRCh38, 1-based): chr15:68,208,392, G>T on the plus strand (C>A on the coding strand, the complement: CLN6 is on the minus strand). VCF-style: chr15-68208392-G-T. GRCh37 (hg19) VCF-style: chr15-68500730-G-T.
Identifiers: ClinVar variation 668516 (VCV000668516.10), dbSNP rs1209133488, ClinGen allele CA491100084.

ClinVar aggregate classification (germline): Likely benign. Review status: criteria provided, multiple submitters, no conflicts (2 of 4 stars). 2 submissions from 2 submitters: Likely benign (2). Last evaluated 2024-05-08.

Conditions:
Neuronal ceroid lipofuscinosis. Also called: Neuronal Ceroid Lipofuscinoses. Identifiers: Orphanet 216, Orphanet 79263, MedGen C0027877, MONDO:0016295. Disease mechanism: loss of function.

Allele frequency attached by ClinVar (database versions not stated): gnomAD exomes below 0.00001.
gnomAD v4.1: 1 of 1,613,084 alleles (0.000062%); highest among the groups gnomAD compares: Admixed American, 0.0017%; no homozygotes.

Submissions (2):

Labcorp Genetics (formerly Invitae), Labcorp
Classification: Likely benign for Neuronal ceroid lipofuscinosis. Last evaluated: 2024-05-08. Review status: criteria provided, single submitter. Criteria: Invitae Variant Classification Sherloc (09022015). Collection method: clinical testing. Allele origin: germline.

GeneDx
Classification: Likely benign. Last evaluated: 2018-05-22. Review status: criteria provided, single submitter. Criteria: GeneDx Variant Classification (06012015). Collection method: clinical testing. Allele origin: germline. Affected: yes.
Comment: This variant is considered likely benign or benign based on one or more of the following criteria: it is a conservative change, it occurs at a poorly conserved position in the protein, it is predicted to be benign by multiple in silico algorithms, and/or has population frequency not consistent with disease.